The following is an entry in ClinVar:

NM_001080467.3(MYO5B):c.238C>T (p.Leu80Phe)

Gene: MYO5B (myosin VB; minus strand). Cytogenetic location: 18q21.1.
Variant type: single nucleotide variant.
Coding change: c.238C>T on transcript NM_001080467.3 (MANE Select); coding-DNA position 238, C replaced by T.
Protein change: p.Leu80Phe; replaces leucine 80 with phenylalanine.
Molecular consequence: missense variant.
Genome position (GRCh38, 1-based): chr18:50,040,215, G>A on the plus strand (C>T on the coding strand, the complement: MYO5B is on the minus strand). VCF-style: chr18-50040215-G-A. GRCh37 (hg19) VCF-style: chr18-47566585-G-A.
Other names: short protein forms L80F.
Identifiers: ClinVar variation 1305254 (VCV001305254.2), dbSNP rs1218772348, ClinGen allele CA402510338.

ClinVar aggregate classification (germline): Uncertain significance (1 of 4 stars; one submission).

Allele frequency attached by ClinVar (database versions not stated): gnomAD exomes below 0.00001; gnomAD 0.00001; TOPMed 0.00001.
gnomAD v4.1: 2 of 1,614,008 alleles (0.00012%); highest among the groups gnomAD compares: African/African-American, 0.0027%; no homozygotes.

Submission:

GeneDx
Classification: Uncertain significance. Last evaluated: 2019-05-01. Review status: criteria provided, single submitter. Criteria: GeneDx Variant Classification Process June 2021. Collection method: clinical testing. Allele origin: germline. Affected: yes.
Comment: Not observed in large population cohorts (Lek et al., 2016); In silico analysis, which includes protein predictors and evolutionary conservation, supports a deleterious effect; Has not been previously published as pathogenic or benign to our knowledge